The following is an entry in ClinVar:

ClinVar aggregate classification (germline): Uncertain significance. Review status: criteria provided, multiple submitters, no conflicts (2 of 4 stars). 2 submissions from 2 submitters: Uncertain significance (2). Last evaluated 2025-08-06.

Conditions:
Inborn genetic diseases. Identifiers: MedGen C0950123, MeSH D030342.

Allele frequency attached by ClinVar (database versions not stated): TOPMed 0.00003.
gnomAD v4.1: 6 of 1,613,956 alleles (0.00037%); highest among the groups gnomAD compares: Admixed American, 0.0017%; no homozygotes.

Submissions (2):

Ambry Genetics
Classification: Uncertain significance for Inborn genetic diseases. Last evaluated: 2025-08-06. Review status: criteria provided, single submitter. Criteria: Ambry Variant Classification Scheme 2023. Collection method: clinical testing. Allele origin: germline.

Labcorp Genetics (formerly Invitae), Labcorp
Classification: Uncertain significance. Last evaluated: 2025-07-21. Review status: criteria provided, single submitter. Criteria: Invitae Variant Classification Sherloc (09022015). Collection method: clinical testing. Allele origin: germline.
Comment: This sequence change replaces alanine, which is neutral and non-polar, with threonine, which is neutral and polar, at codon 2776 of the FRAS1 protein (p.Ala2776Thr). This variant is present in population databases (no rsID available, gnomAD 0.003%). This variant has not been reported in the literature in individuals affected with FRAS1-related conditions. ClinVar contains an entry for this variant (Variation ID: 1980470). Invitae Evidence Modeling of protein sequence and biophysical properties (such as structural, functional, and spatial information, amino acid conservation, physicochemical variation, residue mobility, and thermodynamic stability) indicates that this missense variant is not expected to disrupt FRAS1 protein function with a negative predictive value of 80%. In summary, the available evidence is currently insufficient to determine the role of this variant in disease. Therefore, it has been classified as a Variant of Uncertain Significance.

NM_025074.7(FRAS1):c.8326G>A (p.Ala2776Thr)

Gene: FRAS1 (Fraser extracellular matrix complex subunit 1; plus strand). Cytogenetic location: 4q21.21.
Variant type: single nucleotide variant.
Coding change: c.8326G>A on transcript NM_025074.7 (MANE Select); coding-DNA position 8326, G replaced by A.
Protein change: p.Ala2776Thr; replaces alanine 2776 with threonine.
Molecular consequence: missense variant.
Genome position (GRCh38, 1-based): chr4:78,479,601, G>A. VCF-style: chr4-78479601-G-A. GRCh37 (hg19) VCF-style: chr4-79400755-G-A.
Other names: c.8326G>A (NM_025074.6); short protein forms A2776T.
Identifiers: ClinVar variation 1980470 (VCV001980470.3), dbSNP rs886729536, ClinGen allele CA99954050.